The following is an entry in ClinVar:

ClinVar aggregate classification (germline): Uncertain significance. Review status: criteria provided, multiple submitters, no conflicts (2 of 4 stars). 3 submissions from 3 submitters: Uncertain significance (2). 1 of the submissions does not count toward it. Last evaluated 2024-06-29.

Conditions:
Hereditary breast ovarian cancer syndrome. Also called: Hereditary breast and ovarian cancer syndrome; Hereditary breast and ovarian cancer; Hereditary breast and ovarian cancer syndrome (HBOC); Breast and ovarian cancer; Hereditary breast and/or ovarian cancer syndrome; BRCA1- and BRCA2-Associated Hereditary Breast and Ovarian Cancer. Identifiers: Orphanet 145, MedGen C0677776, MeSH D061325, MONDO:0003582. Disease mechanism: loss of function.
Breast-ovarian cancer, familial, susceptibility to, 2 (BROVCA2). Also called: BRCA2 Hereditary Breast and Ovarian Cancer. Identifiers: Orphanet 145, MedGen C2675520, MONDO:0012933, OMIM 612555. Disease mechanism: loss of function.
Hereditary cancer-predisposing syndrome. Also called: Neoplastic Syndromes, Hereditary; Tumor predisposition; Hereditary Cancer Syndrome; Hereditary neoplastic syndrome. Identifiers: Orphanet 140162, MedGen C0027672, MeSH D009386, MONDO:0015356.

Submissions (3):

Ambry Genetics
Classification: Uncertain significance for Hereditary cancer-predisposing syndrome. Last evaluated: 2024-06-29. Review status: criteria provided, single submitter. Criteria: Ambry Variant Classification Scheme 2023. Collection method: clinical testing. Allele origin: germline.
Comment: The p.K3392T variant (also known as c.10175A>C), located in coding exon 26 of the BRCA2 gene, results from an A to C substitution at nucleotide position 10175. The lysine at codon 3392 is replaced by threonine, an amino acid with similar properties. This amino acid position is not well conserved in available vertebrate species. In addition, this alteration is predicted to be tolerated by in silico analysis. Since supporting evidence is limited at this time, the clinical significance of this alteration remains unclear.

Labcorp Genetics (formerly Invitae), Labcorp
Classification: Uncertain significance for Hereditary breast ovarian cancer syndrome. Last evaluated: 2024-03-07. Review status: criteria provided, single submitter. Criteria: Invitae Variant Classification Sherloc (09022015). Collection method: clinical testing. Allele origin: germline.
Comment: This sequence change replaces lysine, which is basic and polar, with threonine, which is neutral and polar, at codon 3392 of the BRCA2 protein (p.Lys3392Thr). This variant is not present in population databases (gnomAD no frequency). This missense change has been observed in individual(s) with breast cancer (PMID: 19491284). ClinVar contains an entry for this variant (Variation ID: 51052). Advanced modeling of protein sequence and biophysical properties (such as structural, functional, and spatial information, amino acid conservation, physicochemical variation, residue mobility, and thermodynamic stability) performed at Invitae indicates that this missense variant is not expected to disrupt BRCA2 protein function with a negative predictive value of 95%. In summary, the available evidence is currently insufficient to determine the role of this variant in disease. Therefore, it has been classified as a Variant of Uncertain Significance.

Breast Cancer Information Core (BIC) (BRCA2)
Classification: Uncertain significance for Breast-ovarian cancer, familial 2. Last evaluated: 1998-07-10. Review status: no assertion criteria provided. Collection method: clinical testing. Allele origin: germline. Affected: yes. Observed: 1 variant allele. Not counted in ClinVar's aggregate classification.

Literature cited by the submitters: PubMed 19491284 (cited by Labcorp Genetics (formerly Invitae), Labcorp).

NM_000059.4(BRCA2):c.10175A>C (p.Lys3392Thr)

Gene: BRCA2 (BRCA2 DNA repair associated; plus strand). Cytogenetic location: 13q13.1.
Variant type: single nucleotide variant.
Coding change: c.10175A>C on transcript NM_000059.4 (MANE Select); coding-DNA position 10175, A replaced by C.
Protein change: p.Lys3392Thr; replaces lysine 3392 with threonine.
Molecular consequence: missense variant.
Genome position (GRCh38, 1-based): chr13:32,398,688, A>C. VCF-style: chr13-32398688-A-C. GRCh37 (hg19) VCF-style: chr13-32972825-A-C.
Other names: short protein forms K3392T.
Identifiers: ClinVar variation 51052 (VCV000051052.16), dbSNP rs80358400, ClinGen allele CA010420.
Genomic context (GRCh38, chr13:32,398,688, plus strand): 5'-CTCCCACCAGTTCAGAAGATTATCTCAGACTGAAACGACGTTGTACTACATCTCTGATCA[A>C]AGAACAGGAGAGTTCCCAGGCCAGTACGGAAGAATGTGAGAAAAATAAGCAGGACACAAT-3'
Protein context (NP_000050.3, residues 3382-3402): LKRRCTTSLI[Lys3392Thr]EQESSQASTE